The following is an entry in ClinVar:

ClinVar aggregate classification (germline): Uncertain significance. Review status: criteria provided, single submitter (1 of 4 stars). 2 submissions from 2 submitters: Uncertain significance (1). 1 of the submissions does not count toward it. Last evaluated 2021-04-26.

Conditions:
RIT1-related disorder. Also called: RIT1-related condition.

Submissions (2):

Women's Health and Genetics/Laboratory Corporation of America, LabCorp
Classification: Uncertain significance. Last evaluated: 2021-04-26. Review status: criteria provided, single submitter. Criteria: LabCorp Variant Classification Summary - May 2015. Collection method: clinical testing. Allele origin: germline.
Comment: Variant summary: RIT1 c.*4_*8delGAAGA is located in the untranslated mRNA region downstream of the termination codon. 4/4 computational tools predict no significant impact on normal splicing. However, these predictions have yet to be confirmed by functional studies. The variant allele was found at a frequency of 1.2e-05 in 251136 control chromosomes. The available data on variant occurrences in the general population are insufficient to allow any conclusion about variant significance. To our knowledge, no occurrence of c.*4_*8delGAAGA in individuals affected with Noonan Syndrome and no experimental evidence demonstrating its impact on protein function have been reported. No clinical diagnostic laboratories have submitted clinical-significance assessments for this variant to ClinVar after 2014. Based on the evidence outlined above, the variant was classified as uncertain significance.

PreventionGenetics, part of Exact Sciences
Classification: Likely benign for RIT1-related condition. Last evaluated: 2020-01-09. Review status: no assertion criteria provided. Collection method: clinical testing. Allele origin: germline. Not counted in ClinVar's aggregate classification.
Comment: This variant is classified as likely benign based on ACMG/AMP sequence variant interpretation guidelines (Richards et al. 2015 PMID: 25741868, with internal and published modifications).

NM_006912.6(RIT1):c.659GAAGA[1] (p.Ter220=)

Gene: RIT1 (Ras like without CAAX 1; minus strand). Cytogenetic location: 1q22.
Variant type: Microsatellite.
Coding change: c.659GAAGA[1] on transcript NM_006912.6 (MANE Select); one copy of the 5-base unit GAAGA starting at c.659; the reference has two copies in a row; one copy, 5 bases deleted.
Protein change: p.Ter220=.
Molecular consequence: no sequence alteration.
Genome position (GRCh38, 1-based): chr1:155,900,380-155,900,384, TCTTC deleted on the plus strand (GAAGA on the coding strand, the reverse complement: RIT1 is on the minus strand); deleting any 5 consecutive bases within chr1:155,900,380-155,900,389 gives the same sequence; the position shown is the placement nearest the transcript's 3' end. VCF-style (leftmost placement, unchanged base first): chr1-155900379-ATCTTC-A. GRCh37 (hg19) VCF-style: chr1-155870170-ATCTTC-A.
Other names: c.551GAAGA[1], p.Ter184= (NM_001256820.2); c.710GAAGA[1], p.Ter237= (NM_001256821.2); c.*4_*8del5 (NM_001256821.1).
Identifiers: ClinVar variation 1098823 (VCV001098823.2), dbSNP rs777195602, ClinGen allele CA1151749.
Genomic context (GRCh38, chr1:155,900,379, plus strand): 5'-GTACTGCAGGTTACTGGACTGCTTTGATACAGCACTGCAGTTCACAGATAAACACTTCAC[ATCTTC>A]TCTTCAAGTTACTGAATCTTTCTTCTTCCGGAATGGTGATTTTAGCCTCTTCCATACACT-3'